The following is an entry in ClinVar:

ClinVar aggregate classification (germline): Uncertain significance (1 of 4 stars; one submission).

Allele frequency attached by ClinVar (database versions not stated): gnomAD 0.00001.
gnomAD v4.1: 2 of 1,302,572 alleles (0.00015%); highest among the groups gnomAD compares: Admixed American, 0.0042%; no homozygotes.

Submission:

GeneDx
Classification: Uncertain significance. Last evaluated: 2023-02-01. Review status: criteria provided, single submitter. Criteria: GeneDx Variant Classification Process June 2021. Collection method: clinical testing. Allele origin: germline. Affected: yes.
Comment: Not observed at significant frequency in large population cohorts (gnomAD); In silico analysis supports that this missense variant does not alter protein structure/function; Has not been previously published as pathogenic or benign to our knowledge

NM_005257.6(GATA6):c.655G>T (p.Ala219Ser)

Gene: GATA6 (GATA binding protein 6; plus strand). Cytogenetic location: 18q11.2.
Variant type: single nucleotide variant.
Coding change: c.655G>T on transcript NM_005257.6 (MANE Select); coding-DNA position 655, G replaced by T.
Protein change: p.Ala219Ser; replaces alanine 219 with serine.
Molecular consequence: missense variant.
Genome position (GRCh38, 1-based): chr18:22,171,799, G>T. VCF-style: chr18-22171799-G-T. GRCh37 (hg19) VCF-style: chr18-19751760-G-T.
Other names: short protein forms A219S.
Identifiers: ClinVar variation 2574817 (VCV002574817.1), dbSNP rs2033053980, ClinGen allele CA401800369.